The following is an entry in ClinVar:

NM_000179.3(MSH6):c.3935T>C (p.Val1312Ala)

Gene: MSH6 (mutS homolog 6; plus strand). Cytogenetic location: 2p16.3.
Variant type: single nucleotide variant.
Coding change: c.3935T>C on transcript NM_000179.3 (MANE Select); coding-DNA position 3935, T replaced by C.
Protein change: p.Val1312Ala; replaces valine 1312 with alanine.
Molecular consequence: missense variant.
Genome position (GRCh38, 1-based): chr2:47,806,585, T>C. VCF-style: chr2-47806585-T-C. GRCh37 (hg19) VCF-style: chr2-48033724-T-C.
Other names: c.3545T>C, p.Val1182Ala (NM_001281492.2); c.3029T>C, p.Val1010Ala (NM_001281493.2, NM_001281494.2); short protein forms V1010A, V1182A, V1312A.
Identifiers: ClinVar variation 1364296 (VCV001364296.10), dbSNP rs2104562596, ClinGen allele CA346761491.

ClinVar aggregate classification (germline): Uncertain significance. Review status: criteria provided, multiple submitters, no conflicts (2 of 4 stars). 2 submissions from 2 submitters: Uncertain significance (2). Last evaluated 2021-06-28.

Conditions:
Hereditary cancer-predisposing syndrome. Also called: Neoplastic Syndromes, Hereditary; Tumor predisposition; Hereditary neoplastic syndrome; Hereditary Cancer Syndrome. Identifiers: Orphanet 140162, MedGen C0027672, MeSH D009386, MONDO:0015356.
Hereditary nonpolyposis colorectal neoplasms. Identifiers: MedGen C0009405, MeSH D003123.

Submissions (2):

Labcorp Genetics (formerly Invitae), Labcorp
Classification: Uncertain significance for Hereditary nonpolyposis colorectal neoplasms. Last evaluated: 2021-06-28. Review status: criteria provided, single submitter. Criteria: Invitae Variant Classification Sherloc (09022015). Collection method: clinical testing. Allele origin: germline.
Comment: In summary, the available evidence is currently insufficient to determine the role of this variant in disease. Therefore, it has been classified as a Variant of Uncertain Significance. This sequence change replaces valine with alanine at codon 1312 of the MSH6 protein (p.Val1312Ala). The valine residue is moderately conserved and there is a small physicochemical difference between valine and alanine. This variant has not been reported in the literature in individuals with MSH6-related conditions. This variant is not present in population databases (ExAC no frequency). Algorithms developed to predict the effect of missense changes on protein structure and function are either unavailable or do not agree on the potential impact of this missense change (SIFT: "Deleterious"; PolyPhen-2: "Benign"; Align-GVGD: "Class C25").

Ambry Genetics
Classification: Uncertain significance for Hereditary cancer-predisposing syndrome. Last evaluated: 2017-06-26. Review status: criteria provided, single submitter. Criteria: Ambry Variant Classification Scheme 2023. Collection method: clinical testing. Allele origin: germline.
Comment: The p.V1312A variant (also known as c.3935T>C), located in coding exon 9 of the MSH6 gene, results from a T to C substitution at nucleotide position 3935. The valine at codon 1312 is replaced by alanine, an amino acid with similar properties. This amino acid position is well conserved in available vertebrate species. In addition, this alteration is predicted to be deleterious by in silico analysis. In addition, the CoDP in silico tool predicts this alteration to likely impair molecular function, with a score of 0.970 (Terui H et al. J. Biomed. Sci. 2013 Apr;20:25). Since supporting evidence is limited at this time, the clinical significance of this alteration remains unclear.